The following is an entry in ClinVar:

ClinVar aggregate classification (germline): Conflicting classifications of pathogenicity. Review status: criteria provided, conflicting classifications (1 of 4 stars). 5 submissions from 5 submitters: Likely pathogenic (1); Uncertain significance (3). 1 of the submissions does not count toward it. Last evaluated 2023-07-11.

Conditions:
PRPH2-related disorder. Also called: PRPH2-related condition; PRPH2-related disorders. Identifiers: MedGen CN239395.
Stargardt disease (FFM). Also called: Stargardt's disease; Fundus flavimaculatus. Identifiers: Orphanet 827, MedGen C0271093, MONDO:0019353.

Allele frequency attached by ClinVar (database versions not stated): gnomAD exomes below 0.00001.
gnomAD v4.1: 2 of 1,614,196 alleles (0.00012%); highest among the groups gnomAD compares: Non-Finnish European, 0.00017%; no homozygotes.

Submissions (5):

GeneDx
Classification: Uncertain significance. Last evaluated: 2023-07-11. Review status: criteria provided, single submitter. Criteria: GeneDx Variant Classification Process June 2021. Collection method: clinical testing. Allele origin: germline.
Comment: Not observed at significant frequency in large population cohorts (gnomAD); In silico analysis supports that this missense variant does not alter protein structure/function; Identified in an individual with a clinical diagnosis of Stargardt disease in published literature (Reeves et al., 2020); This variant is associated with the following publications: (PMID: 32531846)

Labcorp Genetics (formerly Invitae), Labcorp
Classification: Uncertain significance for PRPH2-related disorder. Last evaluated: 2022-08-31. Review status: criteria provided, single submitter. Criteria: Invitae Variant Classification Sherloc (09022015). Collection method: clinical testing. Allele origin: germline.
Comment: ClinVar contains an entry for this variant (Variation ID: 939112). This sequence change replaces lysine, which is basic and polar, with glutamic acid, which is acidic and polar, at codon 135 of the PRPH2 protein (p.Lys135Glu). This variant is not present in population databases (gnomAD no frequency). This missense change has been observed in individual(s) with Stargardt Disease (PMID: 32531846). Advanced modeling of protein sequence and biophysical properties (such as structural, functional, and spatial information, amino acid conservation, physicochemical variation, residue mobility, and thermodynamic stability) performed at Invitae indicates that this missense variant is not expected to disrupt PRPH2 protein function. In summary, the available evidence is currently insufficient to determine the role of this variant in disease. Therefore, it has been classified as a Variant of Uncertain Significance.

NEI Ophthalmic Genomics Laboratory, National Institutes of Health
Classification: Uncertain significance for Stargardt disease. Last evaluated: 2020-01-07. Review status: criteria provided, single submitter. Criteria: ACMG Guidelines, 2015. Collection method: clinical testing. Allele origin: germline. Affected: yes.
Comment: The variant NM_000322.4:c.403A>G in the PRPH2 gene has not been reported to our knowledge. This variant is not listed in dbSNP and/or HGMD. It is absent in gnomAD browser. It is not enriched in the PRPH2 disease cohort. We invoked ACMG criteria [PM2, PP3] and classified NM_000322.4:c.403A>G in the PRPH2 gene as a Variant of Uncertain Significance.

Blueprint Genetics
Classification: Likely pathogenic for PRPH2-related disorders. Last evaluated: 2019-10-14. Review status: criteria provided, single submitter. Criteria: ACMG Guidelines, 2015. Collection method: clinical testing. Allele origin: germline. Affected: yes. Observed: 3 variant alleles.

Leiden Open Variation Database
Classification: Uncertain significance. Last evaluated: 2021-04-06. Review status: no assertion criteria provided. Collection method: curation. Allele origin: germline. Affected: yes. Not counted in ClinVar's aggregate classification.
Comment: Curator: Global Variome, with Curator vacancy. Submitter to LOVD: Manon Peeters.

Literature cited by the submitters: PubMed 32531846 (cited by Labcorp Genetics (formerly Invitae), Labcorp and Leiden Open Variation Database).

NM_000322.5(PRPH2):c.403A>G (p.Lys135Glu)

Gene: PRPH2 (peripherin 2; minus strand). Cytogenetic location: 6p21.1.
Variant type: single nucleotide variant.
Coding change: c.403A>G on transcript NM_000322.5 (MANE Select); coding-DNA position 403, A replaced by G.
Protein change: p.Lys135Glu; replaces lysine 135 with glutamic acid.
Molecular consequence: missense variant.
Genome position (GRCh38, 1-based): chr6:42,721,932, T>C on the plus strand (A>G on the coding strand, the complement: PRPH2 is on the minus strand). VCF-style: chr6-42721932-T-C. GRCh37 (hg19) VCF-style: chr6-42689670-T-C.
Other names: short protein forms K135E.
Identifiers: ClinVar variation 939112 (VCV000939112.15), dbSNP rs1761910611, ClinGen allele CA364137637.
Genomic context (GRCh38, chr6:42,721,932, plus strand): 5'-TCTTCTTCATGAAACACCTGCCAGGGGTGTCTGTGTCCCGGTAGTACTTCATGCCGTTCT[T>C]GAGCCCTTGGCCCAGGGTGTTCTCCAGCGAGCCCCGAAGCAGAAAGCAGCAGAGAGCCAC-3'
Protein context (NP_000313.2, residues 125-145): SLENTLGQGL[Lys135Glu]NGMKYYRDTD